The following is an entry in ClinVar:

ClinVar aggregate classification (germline): Likely pathogenic (1 of 4 stars; one submission).

Submission:

Labcorp Genetics (formerly Invitae), Labcorp
Classification: Likely pathogenic. Last evaluated: 2022-11-02. Review status: criteria provided, single submitter. Criteria: Invitae Variant Classification Sherloc (09022015). Collection method: clinical testing. Allele origin: germline.
Comment: In summary, the currently available evidence indicates that the variant is pathogenic, but additional data are needed to prove that conclusively. Therefore, this variant has been classified as Likely Pathogenic. Algorithms developed to predict the effect of sequence changes on RNA splicing suggest that this variant may disrupt the consensus splice site. ClinVar contains an entry for this variant (Variation ID: 1502097). This variant has not been reported in the literature in individuals affected with COL7A1-related conditions. This variant is not present in population databases (gnomAD no frequency). This variant results in the deletion of part of exon 64 (c.5529_5532+7del) of the COL7A1 gene. It is expected to disrupt RNA splicing. Variants that disrupt the donor or acceptor splice site typically lead to a loss of protein function (PMID: 16199547), and loss-of-function variants in COL7A1 are known to be pathogenic (PMID: 16971478).

Literature cited by the submitters: PubMed 16199547; PubMed 16971478.

NM_000094.4(COL7A1):c.5529_5532+7del

Gene: COL7A1 (collagen type VII alpha 1 chain; minus strand). Cytogenetic location: 3p21.31.
Variant type: Deletion.
Coding change: c.5529_5532+7del on transcript NM_000094.4 (MANE Select); coding-DNA position 5529 through 7 bases into the intron after coding-DNA position 5532, 11 bases deleted (AAACGTGAGTG).
Molecular consequence: splice donor variant.
Genome position (GRCh38, 1-based): chr3:48,578,314-48,578,324, CACTCACGTTT deleted on the plus strand (AAACGTGAGTG on the coding strand, the reverse complement: COL7A1 is on the minus strand). VCF-style (leftmost placement, unchanged base first): chr3-48578313-ACACTCACGTTT-A. GRCh37 (hg19) VCF-style: chr3-48615746-ACACTCACGTTT-A.
Identifiers: ClinVar variation 1502097 (VCV001502097.6), dbSNP rs2107690909, ClinGen allele CA2573137019.
Genomic context (GRCh38, chr3:48,578,313, plus strand): 5'-ATCTTGGCTGTGTAGGTGTGCTGGCGTTTCTTGGCAGGTTTCGCCGCAGCTGCCCTGGAC[ACACTCACGTTT>A]TTTCCATTCAGGCCAGGTTTGCCATCCTCGCCTGGCTTTCCCTGTGGGAACAGATCACTG-3'